The following is an entry in ClinVar:

ClinVar aggregate classification (germline): Uncertain significance (1 of 4 stars; one submission).

Conditions:
GRHL3-related disorder. Also called: GRHL3-related condition.

Submission:

PreventionGenetics, part of Exact Sciences
Classification: Uncertain significance for GRHL3-related condition. Last evaluated: 2023-08-21. Review status: criteria provided, single submitter. Criteria: ACMG Guidelines, 2015. Collection method: clinical testing. Allele origin: germline.
Comment: The GRHL3 c.938G>C variant is predicted to result in the amino acid substitution p.Arg313Pro. To our knowledge, this variant has not been reported in the literature or in a large population database, indicating this variant is rare. At this time, the clinical significance of this variant is uncertain due to the absence of conclusive functional and genetic evidence.

NM_198173.3(GRHL3):c.938G>C (p.Arg313Pro)

Gene: GRHL3 (grainyhead like transcription factor 3; plus strand). Cytogenetic location: 1p36.11.
Variant type: single nucleotide variant.
Coding change: c.938G>C on transcript NM_198173.3 (MANE Select); coding-DNA position 938, G replaced by C.
Protein change: p.Arg313Pro; replaces arginine 313 with proline.
Molecular consequence: missense variant.
Genome position (GRCh38, 1-based): chr1:24,338,089, G>C. VCF-style: chr1-24338089-G-C. GRCh37 (hg19) VCF-style: chr1-24664579-G-C.
Other names: c.800G>C, p.Arg267Pro (NM_001195010.2); c.953G>C, p.Arg318Pro (NM_021180.4); c.938G>C, p.Arg313Pro (NM_198174.3); short protein forms R267P, R313P, R318P.
Identifiers: ClinVar variation 2631234 (VCV002631234.1), dbSNP rs1639895035, ClinGen allele CA339046010.